The following is an entry in ClinVar:

NM_173630.4(RTTN):c.4564+4A>C

Gene: RTTN (rotatin; minus strand). Cytogenetic location: 18q22.2.
Variant type: single nucleotide variant.
Coding change: c.4564+4A>C on transcript NM_173630.4 (MANE Select); 4 bases into the intron after coding-DNA position 4564, A replaced by C.
Molecular consequence: intron variant.
Genome position (GRCh38, 1-based): chr18:70,075,348, T>G on the plus strand (A>C on the coding strand, the complement: RTTN is on the minus strand). VCF-style: chr18-70075348-T-G. GRCh37 (hg19) VCF-style: chr18-67742584-T-G.
Other names: c.1828+4A>C (NM_001318520.2).
Identifiers: ClinVar variation 1181235 (VCV001181235.5), dbSNP rs368489465, ClinGen allele CA8995224.

ClinVar aggregate classification (germline): Conflicting classifications of pathogenicity. Review status: criteria provided, conflicting classifications (1 of 4 stars). 2 submissions from 2 submitters: Uncertain significance (1); Likely benign (1). Last evaluated 2024-04-22.

Allele frequency attached by ClinVar (database versions not stated): gnomAD exomes 0.00001 and 0.00004; ExAC 0.00004; gnomAD 0.00008 and 0.00009; TOPMed 0.00015; ESP Exome Variant Server 0.00026.
gnomAD v4.1: 20 of 1,548,118 alleles (0.0013%); highest among the groups gnomAD compares: African/African-American, 0.027%; no homozygotes.

Submissions (2):

Labcorp Genetics (formerly Invitae), Labcorp
Classification: Uncertain significance. Last evaluated: 2024-04-22. Review status: criteria provided, single submitter. Criteria: Invitae Variant Classification Sherloc (09022015). Collection method: clinical testing. Allele origin: germline.
Comment: This sequence change falls in intron 33 of the RTTN gene. It does not directly change the encoded amino acid sequence of the RTTN protein. It affects a nucleotide within the consensus splice site. This variant is present in population databases (rs368489465, gnomAD 0.05%). This variant has not been reported in the literature in individuals affected with RTTN-related conditions. ClinVar contains an entry for this variant (Variation ID: 1181235). Variants that disrupt the consensus splice site are a relatively common cause of aberrant splicing (PMID: 17576681, 9536098). Algorithms developed to predict the effect of sequence changes on RNA splicing suggest that this variant is not likely to affect RNA splicing. In summary, the available evidence is currently insufficient to determine the role of this variant in disease. Therefore, it has been classified as a Variant of Uncertain Significance.

GeneDx
Classification: Likely benign. Last evaluated: 2021-03-01. Review status: criteria provided, single submitter. Criteria: GeneDx Variant Classification Process June 2021. Collection method: clinical testing. Allele origin: germline. Affected: yes.

Literature cited by the submitters: PubMed 17576681 (cited by Labcorp Genetics (formerly Invitae), Labcorp); PubMed 9536098 (cited by Labcorp Genetics (formerly Invitae), Labcorp).